The following is an entry in ClinVar:

NM_002485.5(NBN):c.232G>A (p.Val78Ile)

Gene: NBN (nibrin; minus strand). Cytogenetic location: 8q21.3.
Variant type: single nucleotide variant.
Coding change: c.232G>A on transcript NM_002485.5 (MANE Select); coding-DNA position 232, G replaced by A.
Protein change: p.Val78Ile; replaces valine 78 with isoleucine.
Molecular consequence: missense variant. On other transcripts: 5 prime UTR variant (1).
Genome position (GRCh38, 1-based): chr8:89,981,463, C>T on the plus strand (G>A on the coding strand, the complement: NBN is on the minus strand). VCF-style: chr8-89981463-C-T. GRCh37 (hg19) VCF-style: chr8-90993691-C-T.
Other names: c.-15G>A (NM_001024688.3); short protein forms V78I.
Identifiers: ClinVar variation 2814030 (VCV002814030.3), dbSNP rs2488360982, ClinGen allele CA371662519.

ClinVar aggregate classification (germline): Uncertain significance (1 of 4 stars; one submission).

Conditions:
Microcephaly, normal intelligence and immunodeficiency (NBS). Also called: BERLIN BREAKAGE SYNDROME; Ataxia telangiectasia variant V1; Immunodeficiency, microcephaly with normal intelligence; IMMUNODEFICIENCY, MICROCEPHALY, AND CHROMOSOMAL INSTABILITY; SEEMANOVA SYNDROME II; Nijmegen breakage syndrome. Identifiers: Orphanet 647, MedGen C0398791, MONDO:0009623, OMIM 251260.

Submission:

Labcorp Genetics (formerly Invitae), Labcorp
Classification: Uncertain significance for Microcephaly, normal intelligence and immunodeficiency. Last evaluated: 2022-11-13. Review status: criteria provided, single submitter. Criteria: Invitae Variant Classification Sherloc (09022015). Collection method: clinical testing. Allele origin: germline.
Comment: In summary, the available evidence is currently insufficient to determine the role of this variant in disease. Therefore, it has been classified as a Variant of Uncertain Significance. This variant is not present in population databases (gnomAD no frequency). Algorithms developed to predict the effect of missense changes on protein structure and function output the following: SIFT: "Tolerated"; PolyPhen-2: "Benign"; Align-GVGD: "Class C0". The isoleucine amino acid residue is found in multiple mammalian species, which suggests that this missense change does not adversely affect protein function. This variant has not been reported in the literature in individuals affected with NBN-related conditions. This sequence change replaces valine, which is neutral and non-polar, with isoleucine, which is neutral and non-polar, at codon 78 of the NBN protein (p.Val78Ile).